The following is an entry in ClinVar:

ClinVar aggregate classification (germline): Likely benign. Review status: criteria provided, single submitter (1 of 4 stars). 2 submissions from 2 submitters: Likely benign (1). 1 of the submissions does not count toward it. Last evaluated 2024-08-04.

Conditions:
Inborn genetic diseases. Identifiers: MedGen C0950123, MeSH D030342.
SHANK1-related disorder. Also called: SHANK1-related condition.

Allele frequency attached by ClinVar (database versions not stated): gnomAD exomes 0.00026; TOPMed 0.00034; gnomAD 0.00038; ExAC 0.00086.
gnomAD v4.1: 423 of 1,464,914 alleles (0.029%); highest among the groups gnomAD compares: Admixed American, 0.02%; 2 homozygotes.

Submissions (2):

Ambry Genetics
Classification: Likely benign for Inborn genetic diseases. Last evaluated: 2024-08-04. Review status: criteria provided, single submitter. Criteria: Ambry Variant Classification Scheme 2023. Collection method: clinical testing. Allele origin: germline.

PreventionGenetics, part of Exact Sciences
Classification: Benign for SHANK1-related condition. Last evaluated: 2019-10-30. Review status: no assertion criteria provided. Collection method: clinical testing. Allele origin: germline. Not counted in ClinVar's aggregate classification.
Comment: This variant is classified as benign based on ACMG/AMP sequence variant interpretation guidelines (Richards et al. 2015 PMID: 25741868, with internal and published modifications).

NM_016148.5(SHANK1):c.3815T>C (p.Leu1272Pro)

Gene: SHANK1 (SH3 and multiple ankyrin repeat domains 1; minus strand). Cytogenetic location: 19q13.33.
Variant type: single nucleotide variant.
Coding change: c.3815T>C on transcript NM_016148.5 (MANE Select); coding-DNA position 3815, T replaced by C.
Protein change: p.Leu1272Pro; replaces leucine 1272 with proline.
Molecular consequence: missense variant.
Genome position (GRCh38, 1-based): chr19:50,668,145, A>G on the plus strand (T>C on the coding strand, the complement: SHANK1 is on the minus strand). VCF-style: chr19-50668145-A-G. GRCh37 (hg19) VCF-style: chr19-51171402-A-G.
Other names: c.3815T>C (NM_016148.2); short protein forms L1272P.
Identifiers: ClinVar variation 3045845 (VCV003045845.3), dbSNP rs768400956, ClinGen allele CA9601243.